The following is an entry in ClinVar:

ClinVar aggregate classification (germline): Uncertain significance (0 of 4 stars; one submission).

Conditions:
BBS10-related disorder. Also called: BBS10-related condition.

gnomAD v4.1: 4 of 1,614,056 alleles (0.00025%); highest among the groups gnomAD compares: East Asian, 0.0022%; no homozygotes.

Submission:

PreventionGenetics, part of Exact Sciences
Classification: Uncertain significance for BBS10-related condition. Last evaluated: 2024-02-16. Review status: no assertion criteria provided. Collection method: clinical testing. Allele origin: germline.
Comment: The BBS10 c.1234G>A variant is predicted to result in the amino acid substitution p.Asp412Asn. To our knowledge, this variant has not been reported in the literature. This variant is reported in 0.0065% of alleles in individuals of European (Non-Finnish) descent in gnomAD. At this time, the clinical significance of this variant is uncertain due to the absence of conclusive functional and genetic evidence.

NM_024685.4(BBS10):c.1234G>A (p.Asp412Asn)

Gene: BBS10 (Bardet-Biedl syndrome 10; minus strand). Cytogenetic location: 12q21.2.
Variant type: single nucleotide variant.
Coding change: c.1234G>A on transcript NM_024685.4 (MANE Select); coding-DNA position 1234, G replaced by A.
Protein change: p.Asp412Asn; replaces aspartic acid 412 with asparagine.
Molecular consequence: missense variant.
Genome position (GRCh38, 1-based): chr12:76,346,751, C>T on the plus strand (G>A on the coding strand, the complement: BBS10 is on the minus strand). VCF-style: chr12-76346751-C-T. GRCh37 (hg19) VCF-style: chr12-76740531-C-T.
Other names: short protein forms D412N.
Identifiers: ClinVar variation 3348331 (VCV003348331.1).